The following is an entry in ClinVar:

NM_014252.4(SLC25A15):c.538G>A (p.Glu180Lys)

Gene: SLC25A15 (solute carrier family 25 member 15; plus strand). Cytogenetic location: 13q14.11.
Variant type: single nucleotide variant.
Coding change: c.538G>A on transcript NM_014252.4 (MANE Select); coding-DNA position 538, G replaced by A.
Protein change: p.Glu180Lys; replaces glutamic acid 180 with lysine.
Molecular consequence: missense variant.
Genome position (GRCh38, 1-based): chr13:40,807,379, G>A. VCF-style: chr13-40807379-G-A. GRCh37 (hg19) VCF-style: chr13-41381515-G-A.
Other names: short protein forms E180K.
Identifiers: ClinVar variation 5993 (VCV000005993.16), dbSNP rs104894424, ClinGen allele CA312984.

ClinVar aggregate classification (germline): Pathogenic/Likely pathogenic. Review status: criteria provided, multiple submitters, no conflicts (2 of 4 stars). 7 submissions from 7 submitters: Pathogenic (2); Likely pathogenic (3). 2 of the submissions do not count toward it. Last evaluated 2025-12-27.

Conditions:
Hyperornithinemia-hyperammonemia-homocitrullinuria syndrome (HHHS). Also called: HHH SYNDROME; Ornithine translocase deficiency. Identifiers: Orphanet 415, MedGen C0268540, MONDO:0009393, OMIM 238970.

Allele frequency attached by ClinVar (database versions not stated): gnomAD exomes 0.00005 and 0.00001; gnomAD 0.00002; ExAC 0.00001; TOPMed 0.00002.

Submissions (7):

Labcorp Genetics (formerly Invitae), Labcorp
Classification: Pathogenic for Hyperornithinemia-hyperammonemia-homocitrullinuria syndrome. Last evaluated: 2025-12-27. Review status: criteria provided, single submitter. Criteria: Invitae Variant Classification Sherloc (09022015). Collection method: clinical testing. Allele origin: germline.
Comment: This sequence change replaces glutamic acid, which is acidic and polar, with lysine, which is basic and polar, at codon 180 of the SLC25A15 protein (p.Glu180Lys). This variant is present in population databases (rs104894424, gnomAD 0.007%). This missense change has been observed in individual(s) with hyperornithinemia-hyperammonemia-homocitrullinuria syndrome (PMID: 10369256; internal data). In at least one individual the data is consistent with being in trans (on the opposite chromosome) from a pathogenic variant. ClinVar contains an entry for this variant (Variation ID: 5993). Invitae Evidence Modeling of protein sequence and biophysical properties (such as structural, functional, and spatial information, amino acid conservation, physicochemical variation, residue mobility, and thermodynamic stability) indicates that this missense variant is expected to disrupt SLC25A15 protein function with a positive predictive value of 95%. Experimental studies have shown that this missense change affects SLC25A15 function (PMID: 10369256, 26589310). For these reasons, this variant has been classified as Pathogenic.

Natera, Inc.
Classification: Likely pathogenic for Hyperornithinemia-hyperammonemia-homocitrullinuria syndrome. Last evaluated: 2025-09-01. Review status: criteria provided, single submitter. Criteria: Natera Variant Classification Schema (03/2026). Collection method: clinical testing. Allele origin: germline.
Comment: The c.538G>A variant in SLC25A15 is a missense variant predicted to cause substitution of glutamic acid to lysine at amino acid 180. This variant is rare in the general population with a frequency below the threshold expected for the associated phenotype(s). This variant has been observed in one or more individuals affected with the associated recessive disease, as either homozygous or compound heterozygous with a second variant (PMID: 10369256). Functional studies show that this variant may disrupt protein function (PMID: 16940241). Computational prediction algorithms indicate this variant is likely to affect gene or protein function. Given the available evidence, this variant is classified as Likely Pathogenic.

Fulgent Genetics
Classification: Likely pathogenic for Hyperornithinemia-hyperammonemia-homocitrullinuria syndrome. Last evaluated: 2024-01-18. Review status: criteria provided, single submitter. Criteria: ACMG Guidelines, 2015. Collection method: clinical testing. Allele origin: germline.

Women's Health and Genetics/Laboratory Corporation of America, LabCorp
Classification: Likely pathogenic for Hyperornithinemia-hyperammonemia-homocitrullinuria syndrome. Last evaluated: 2023-09-06. Review status: criteria provided, single submitter. Criteria: LabCorp Variant Classification Summary - May 2015. Collection method: clinical testing. Allele origin: germline.
Comment: Variant summary: SLC25A15 c.538G>A (p.Glu180Lys) results in a conservative amino acid change in the encoded protein sequence. Four of five in-silico tools predict a damaging effect of the variant on protein function. The variant allele was found at a frequency of 8e-06 in 251488 control chromosomes. c.538G>A has been reported in trans along with a full/partial SLC25A15 deletion in at-least one individual affected with Hyperornithinemia-Hyperammonemia-Homocitrullinuria Syndrome (example, Camacho_1999). This variant has also been reported in an individual undertaking a genetic carrier screening (Capalbo_2019). At least two publications report experimental evidence evaluating an impact on protein function. The most pronounced variant effect results in abolishment of the rescuing ability of SLC25A15 in vitro and in vivo (Camacho_1999, Doimo_2015). The following publications have been ascertained in the context of this evaluation (PMID: 10369256, 31589614, 26589310). Two submitters have cited clinical-significance assessments for this variant to ClinVar after 2014 (both pathogenic). Based on the evidence outlined above, the variant was classified as likely pathogenic.

Center for Pediatric Genomic Medicine, Children's Mercy Hospital and Clinics
Classification: Pathogenic. Last evaluated: 2017-04-20. Review status: criteria provided, single submitter. Criteria: ACMG Guidelines, 2015. Collection method: clinical testing. Allele origin: germline.

OMIM
Classification: Pathogenic for HHH SYNDROME. Last evaluated: 1999-06-01. Review status: no assertion criteria provided. Collection method: literature only. Allele origin: germline. Not counted in ClinVar's aggregate classification.

Department of Pathology and Laboratory Medicine, Sinai Health System
Classification: Uncertain significance for Hyperornithinemia-hyperammonemia-homocitrullinuria syndrome. Last evaluated: 2023-01-27. Review status: flagged submission. Criteria: ACMG Guidelines, 2015. Collection method: research. Allele origin: germline. Not counted in ClinVar's aggregate classification.
ClinVar note: Reason: Outlier claim with insufficient supporting evidence

Literature cited by the submitters: PubMed 10369256 (cited by 4 submitters); PubMed 26589310 (cited by Labcorp Genetics (formerly Invitae), Labcorp and Women's Health and Genetics/Laboratory Corporation of America, LabCorp); PubMed 16940241 (cited by Natera, Inc.); PubMed 31589614 (cited by Women's Health and Genetics/Laboratory Corporation of America, LabCorp).